The following is an entry in ClinVar:

ClinVar aggregate classification (germline): Uncertain significance (1 of 4 stars; one submission).

Conditions:
Long QT syndrome (LQTS). Identifiers: MedGen C0023976, MeSH D008133, MONDO:0002442. Disease mechanism: loss of function. Inheritance: Various modes of inheritance.

Allele frequency attached by ClinVar (database versions not stated): gnomAD exomes below 0.00001.
gnomAD v4.1: 1 of 1,593,838 alleles (0.000063%); highest among the groups gnomAD compares: Non-Finnish European, 0.000085%; no homozygotes.

Submission:

Labcorp Genetics (formerly Invitae), Labcorp
Classification: Uncertain significance for Long QT syndrome. Last evaluated: 2022-05-20. Review status: criteria provided, single submitter. Criteria: Invitae Variant Classification Sherloc (09022015). Collection method: clinical testing. Allele origin: germline.
Comment: In summary, the available evidence is currently insufficient to determine the role of this variant in disease. Therefore, it has been classified as a Variant of Uncertain Significance. Algorithms developed to predict the effect of missense changes on protein structure and function are either unavailable or do not agree on the potential impact of this missense change (SIFT: "Deleterious"; PolyPhen-2: "Probably Damaging"; Align-GVGD: "Class C0"). This sequence change replaces isoleucine, which is neutral and non-polar, with threonine, which is neutral and polar, at codon 728 of the AKAP9 protein (p.Ile728Thr). This variant is not present in population databases (gnomAD no frequency). This variant has not been reported in the literature in individuals affected with AKAP9-related conditions.

NM_005751.5(AKAP9):c.2183T>C (p.Ile728Thr)

Gene: AKAP9 (A-kinase anchoring protein 9; plus strand). Cytogenetic location: 7q21.2.
Variant type: single nucleotide variant.
Coding change: c.2183T>C on transcript NM_005751.5 (MANE Select); coding-DNA position 2183, T replaced by C.
Protein change: p.Ile728Thr; replaces isoleucine 728 with threonine.
Molecular consequence: missense variant.
Genome position (GRCh38, 1-based): chr7:92,002,100, T>C. VCF-style: chr7-92002100-T-C. GRCh37 (hg19) VCF-style: chr7-91631414-T-C.
Other names: c.2183T>C, p.Ile728Thr (NM_147185.3); short protein forms I728T.
Identifiers: ClinVar variation 1986999 (VCV001986999.4), dbSNP rs2484692608, ClinGen allele CA368123517.